The following is an entry in ClinVar:

ClinVar aggregate classification (germline): Likely benign. Review status: criteria provided, multiple submitters, no conflicts (2 of 4 stars). 3 submissions from 3 submitters: Likely benign (2). 1 of the submissions does not count toward it. Last evaluated 2018-07-16.

Conditions:
NOS1-related disorder. Also called: NOS1-related condition.

Allele frequency attached by ClinVar (database versions not stated): gnomAD exomes 0.00005 and 0.00012; ExAC 0.00008; ESP Exome Variant Server 0.00008; gnomAD 0.00017; TOPMed 0.00023.
gnomAD v4.1: 122 of 1,614,064 alleles (0.0076%); highest among the groups gnomAD compares: Middle Eastern, 0.083%; no homozygotes.

Submissions (3):

Labcorp Genetics (formerly Invitae), Labcorp
Classification: Likely benign. Last evaluated: 2018-07-16. Review status: criteria provided, single submitter. Criteria: Invitae Variant Classification Sherloc (09022015). Collection method: clinical testing. Allele origin: germline.

Breakthrough Genomics
Classification: Likely benign. Review status: criteria provided, single submitter. Criteria: ACMG Guidelines, 2015. Collection method: not provided. Allele origin: germline. Inheritance: Unknown mechanism. Affected: yes.

PreventionGenetics, part of Exact Sciences
Classification: Likely benign for NOS1-related condition. Last evaluated: 2019-02-21. Review status: no assertion criteria provided. Collection method: clinical testing. Allele origin: germline. Not counted in ClinVar's aggregate classification.
Comment: This variant is classified as likely benign based on ACMG/AMP sequence variant interpretation guidelines (Richards et al. 2015 PMID: 25741868, with internal and published modifications).

NM_000620.5(NOS1):c.1572C>A (p.Val524=)

Gene: NOS1 (nitric oxide synthase 1; minus strand). Cytogenetic location: 12q24.22.
Variant type: single nucleotide variant.
Coding change: c.1572C>A on transcript NM_000620.5 (MANE Select); coding-DNA position 1572, C replaced by A.
Protein change: p.Val524=; no amino-acid change (valine 524 retained).
Molecular consequence: synonymous variant.
Genome position (GRCh38, 1-based): chr12:117,278,051, G>T on the plus strand (C>A on the coding strand, the complement: NOS1 is on the minus strand). VCF-style: chr12-117278051-G-T. GRCh37 (hg19) VCF-style: chr12-117715856-G-T.
Other names: c.564C>A, p.Val188= (NM_001204213.2, NM_001204214.2); c.1572C>A, p.Val524= (NM_001204218.2); c.1572C>A (NM_001204218.1).
Identifiers: ClinVar variation 756097 (VCV000756097.6), dbSNP rs369893598, ClinGen allele CA6815102.